The following is an entry in ClinVar:

ClinVar aggregate classification (germline): Uncertain significance (1 of 4 stars; one submission).

Submission:

GeneDx
Classification: Uncertain significance. Last evaluated: 2021-10-18. Review status: criteria provided, single submitter. Criteria: GeneDx Variant Classification Process June 2021. Collection method: clinical testing. Allele origin: germline. Affected: yes.
Comment: Not observed in large population cohorts (Lek et al., 2016); In silico analysis supports that this missense variant has a deleterious effect on protein structure/function; Has not been previously published as pathogenic or benign to our knowledge

NM_005324.5(H3-3B):c.209G>A (p.Arg70Lys)

Gene: H3-3B (H3.3 histone B; minus strand). Cytogenetic location: 17q25.1.
Variant type: single nucleotide variant.
Coding change: c.209G>A on transcript NM_005324.5 (MANE Select); coding-DNA position 209, G replaced by A.
Protein change: p.Arg70Lys; replaces arginine 70 with lysine.
Molecular consequence: missense variant.
Genome position (GRCh38, 1-based): chr17:75,778,883, C>T on the plus strand (G>A on the coding strand, the complement: H3-3B is on the minus strand). VCF-style: chr17-75778883-C-T. GRCh37 (hg19) VCF-style: chr17-73774964-C-T.
Other names: short protein forms R70K.
Identifiers: ClinVar variation 1302436 (VCV001302436.2), dbSNP rs2143630703, ClinGen allele CA401117199.